The following is an entry in ClinVar:

NM_020822.3(KCNT1):c.1999G>A (p.Ala667Thr)

Gene: KCNT1 (potassium sodium-activated channel subfamily T member 1; plus strand). Cytogenetic location: 9q34.3.
Variant type: single nucleotide variant.
Coding change: c.1999G>A on transcript NM_020822.3 (MANE Select); coding-DNA position 1999, G replaced by A.
Protein change: p.Ala667Thr; replaces alanine 667 with threonine.
Molecular consequence: missense variant.
Genome position (GRCh38, 1-based): chr9:135,771,086, G>A. VCF-style: chr9-135771086-G-A. GRCh37 (hg19) VCF-style: chr9-138662932-G-A.
Other names: c.1864G>A, p.Ala622Thr (NM_001272003.2); short protein forms A622T, A667T.
Identifiers: ClinVar variation 2929280 (VCV002929280.3), dbSNP rs781725359, ClinGen allele CA5327137.

ClinVar aggregate classification (germline): Uncertain significance (1 of 4 stars; one submission).

Conditions:
Autosomal dominant nocturnal frontal lobe epilepsy 5. Also called: KCNT1-Related Epilepsy; CILIARY DYSKINESIA, PRIMARY, 28, WITH SITUS INVERSUS; CILIARY DYSKINESIA, PRIMARY, 28, WITHOUT SITUS INVERSUS; Epilepsy, nocturnal frontal lobe, 5. Identifiers: Orphanet 98784, MedGen C3554306, MONDO:0014002, OMIM 615005.
Developmental and epileptic encephalopathy, 14 (DEE14). Also called: Early infantile epileptic encephalopathy 14. Identifiers: Orphanet 293181, MedGen C3554195, MONDO:0013989, OMIM 614959.

Allele frequency attached by ClinVar (database versions not stated): gnomAD 0.00001; TOPMed 0.00001.
gnomAD v4.1: 8 of 1,610,158 alleles (0.0005%); highest among the groups gnomAD compares: East Asian, 0.0022%; no homozygotes.

Submission:

Labcorp Genetics (formerly Invitae), Labcorp
Classification: Uncertain significance for Autosomal dominant nocturnal frontal lobe epilepsy 5; Developmental and epileptic encephalopathy, 14. Last evaluated: 2023-08-29. Review status: criteria provided, single submitter. Criteria: Invitae Variant Classification Sherloc (09022015). Collection method: clinical testing. Allele origin: germline.
Comment: In summary, the available evidence is currently insufficient to determine the role of this variant in disease. Therefore, it has been classified as a Variant of Uncertain Significance. Advanced modeling of protein sequence and biophysical properties (such as structural, functional, and spatial information, amino acid conservation, physicochemical variation, residue mobility, and thermodynamic stability) performed at Invitae indicates that this missense variant is not expected to disrupt KCNT1 protein function. This variant has not been reported in the literature in individuals affected with KCNT1-related conditions. The frequency data for this variant in the population databases is considered unreliable, as metrics indicate poor data quality at this position in the gnomAD database. This sequence change replaces alanine, which is neutral and non-polar, with threonine, which is neutral and polar, at codon 667 of the KCNT1 protein (p.Ala667Thr).